The following is an entry in ClinVar:

ClinVar aggregate classification (germline): Uncertain significance. Review status: criteria provided, multiple submitters, no conflicts (2 of 4 stars). 3 submissions from 3 submitters: Uncertain significance (3). Last evaluated 2025-09-02.

Allele frequency attached by ClinVar (database versions not stated): gnomAD exomes 0.00001.
gnomAD v4.1: 9 of 1,211,507 alleles (0.00074%); highest among the groups gnomAD compares: South Asian, 0.0053%; no homozygotes.

Submissions (3):

Labcorp Genetics (formerly Invitae), Labcorp
Classification: Uncertain significance. Last evaluated: 2025-09-02. Review status: criteria provided, single submitter. Criteria: Invitae Variant Classification Sherloc (09022015). Collection method: clinical testing. Allele origin: germline.
Comment: This sequence change replaces threonine, which is neutral and polar, with methionine, which is neutral and non-polar, at codon 790 of the NEXMIF protein (p.Thr790Met). This variant is present in population databases (no rsID available, gnomAD 0.001%). This variant has not been reported in the literature in individuals affected with NEXMIF-related conditions. ClinVar contains an entry for this variant (Variation ID: 955393). An algorithm developed to predict the effect of missense changes on protein structure and function (PolyPhen-2) suggests that this variant is likely to be disruptive. In summary, the available evidence is currently insufficient to determine the role of this variant in disease. Therefore, it has been classified as a Variant of Uncertain Significance.

Ambry Genetics
Classification: Uncertain significance. Last evaluated: 2025-04-13. Review status: criteria provided, single submitter. Criteria: Ambry Variant Classification Scheme 2023. Collection method: clinical testing. Allele origin: germline.

GeneDx
Classification: Uncertain significance. Last evaluated: 2020-06-22. Review status: criteria provided, single submitter. Criteria: GeneDx Variant Classification Process June 2021. Collection method: clinical testing. Allele origin: germline. Affected: yes.
Comment: In silico analysis supports that this variant does not alter protein structure/function; Has not been previously published as pathogenic or benign to our knowledge

NM_001008537.3(NEXMIF):c.2369C>T (p.Thr790Met)

Gene: NEXMIF (neurite extension and migration factor; minus strand). Cytogenetic location: Xq13.3.
Variant type: single nucleotide variant.
Coding change: c.2369C>T on transcript NM_001008537.3 (MANE Select); coding-DNA position 2369, C replaced by T.
Protein change: p.Thr790Met; replaces threonine 790 with methionine.
Molecular consequence: missense variant.
Genome position (GRCh38, 1-based): chrX:74,742,188, G>A on the plus strand (C>T on the coding strand, the complement: NEXMIF is on the minus strand). VCF-style: chrX-74742188-G-A. GRCh37 (hg19) VCF-style: chrX-73962023-G-A.
Other names: short protein forms T790M.
Identifiers: ClinVar variation 955393 (VCV000955393.12), dbSNP rs1356318438, ClinGen allele CA413668370.